The following is an entry in ClinVar:

NM_000046.5(ARSB):c.1032C>G (p.Asn344Lys)

Gene: ARSB (arylsulfatase B; minus strand). Cytogenetic location: 5q14.1.
Variant type: single nucleotide variant.
Coding change: c.1032C>G on transcript NM_000046.5 (MANE Select); coding-DNA position 1032, C replaced by G.
Protein change: p.Asn344Lys; replaces asparagine 344 with lysine.
Molecular consequence: missense variant.
Genome position (GRCh38, 1-based): chr5:78,885,694, G>C on the plus strand (C>G on the coding strand, the complement: ARSB is on the minus strand). VCF-style: chr5-78885694-G-C. GRCh37 (hg19) VCF-style: chr5-78181517-G-C.
Other names: c.1032C>G, p.Asn344Lys (NM_198709.3); short protein forms N344K.
Identifiers: ClinVar variation 559666 (VCV000559666.1), dbSNP rs1554079304, ClinGen allele CA360343026.
Genomic context (GRCh38, chr5:78,885,694, plus strand): 5'-GTGTCCCCTGGCCAGCTTCACGAGTGTTGGCAGCCAGTCAGAGATGTGGATGAGCTCCCG[G>C]TTCTTCACGCCCTTCTGCTTCAGCAAGGGGCTTGCCACAAAGCCCACCCCTCGGACGCCT-3'
Protein context (NP_000037.2, residues 334-354): SPLLKQKGVK[Asn344Lys]RELIHISDWL

ClinVar aggregate classification (germline): Uncertain significance (1 of 4 stars; one submission).

Conditions:
Mucopolysaccharidosis type 6 (MPS6). Also called: N-ACETYLGALACTOSAMINE-4-SULFATASE DEFICIENCY; MPS VI; MPS 6; Maroteaux Lamy syndrome; ARSB DEFICIENCY; ARYLSULFATASE B DEFICIENCY. Identifiers: Orphanet 583, MedGen C0026709, MONDO:0009661, OMIM 253200.

Submission:

Laboratory of Diagnosis and Therapy of Lysosomal Disorders, University of Padova
Classification: Uncertain significance for Mucopolysaccharidosis type 6. Last evaluated: 2018-01-01. Review status: criteria provided, single submitter. Criteria: ACMG Guidelines, 2015. Collection method: curation. Allele origin: germline. Affected: yes.
Comment: Absent from GnomAD (PM2)

Literature cited by the submitters: PubMed 17458871; PubMed 30118150.